The following is an entry in ClinVar:

ClinVar aggregate classification (germline): Uncertain significance (1 of 4 stars; one submission).

Conditions:
EP300-related disorder. Also called: EP300-related condition; EP300-related disorders.

gnomAD v4.1: 2 of 1,614,158 alleles (0.00012%); highest among the groups gnomAD compares: Non-Finnish European, 0.00017%; no homozygotes.

Submission:

PreventionGenetics, part of Exact Sciences
Classification: Uncertain significance for EP300-related condition. Last evaluated: 2025-12-19. Review status: criteria provided, single submitter. Criteria: ACMG Guidelines, 2015. Collection method: clinical testing. Allele origin: germline.
Comment: The EP300 c.887G>A variant is predicted to result in the amino acid substitution p.Gly296Asp. To our knowledge, this variant has not been reported in the literature or in a large population database (gnomAD), indicating this variant is rare. At this time, the clinical significance of this variant is uncertain due to the absence of conclusive functional and genetic evidence.

NM_001429.4(EP300):c.887G>A (p.Gly296Asp)

Gene: EP300 (EP300 lysine acetyltransferase; plus strand). Cytogenetic location: 22q13.2.
Variant type: single nucleotide variant.
Coding change: c.887G>A on transcript NM_001429.4 (MANE Select); coding-DNA position 887, G replaced by A.
Protein change: p.Gly296Asp; replaces glycine 296 with aspartic acid.
Molecular consequence: missense variant.
Genome position (GRCh38, 1-based): chr22:41,126,021, G>A. VCF-style: chr22-41126021-G-A. GRCh37 (hg19) VCF-style: chr22-41522025-G-A.
Other names: c.887G>A, p.Gly296Asp (NM_001362843.2); short protein forms G296D.
Identifiers: ClinVar variation 4993563 (VCV004993563.1).
Genomic context (GRCh38, chr22:41,126,021, plus strand): 5'-CAAAAACTGTACTATCAAATAACTTATCTCCATTTGCTATGGACAAAAAGGCAGTTCCTG[G>A]TGGAGGAATGCCCAACATGGTGAGTACTAATCCATTACAGACTTGTTTTCAAACTGGCAT-3'
Protein context (NP_001420.2, residues 286-306): PFAMDKKAVP[Gly296Asp]GGMPNMGQQP